The following is an entry in ClinVar:

ClinVar aggregate classification (germline): Pathogenic (1 of 4 stars; one submission).

Conditions:
Hereditary cancer-predisposing syndrome. Also called: Neoplastic Syndromes, Hereditary; Hereditary neoplastic syndrome; Hereditary Cancer Syndrome; Tumor predisposition. Identifiers: Orphanet 140162, MedGen C0027672, MeSH D009386, MONDO:0015356.

Submission:

Ambry Genetics
Classification: Pathogenic for Hereditary cancer-predisposing syndrome. Last evaluated: 2026-06-25. Review status: criteria provided, single submitter. Criteria: Ambry Variant Classification Scheme 2023. Collection method: clinical testing. Allele origin: germline.
Comment: The c.584_585delTC pathogenic mutation, located in coding exon 5 of the BRIP1 gene, results from a deletion of two nucleotides at nucleotide positions 584 to 585, causing a translational frameshift with a predicted alternate stop codon (p.L195Qfs*21). This variant is considered to be rare based on population cohorts in the Genome Aggregation Database (gnomAD). This alteration is expected to result in loss of function by premature protein truncation or nonsense-mediated mRNA decay. As such, this alteration is interpreted as a disease-causing mutation.

NM_032043.3(BRIP1):c.584_585del (p.Leu195fs)

Gene: BRIP1 (BRCA1 interacting DNA helicase 1; minus strand). Cytogenetic location: 17q23.2.
Variant type: Deletion.
Coding change: c.584_585del on transcript NM_032043.3 (MANE Select); coding-DNA positions 584 to 585, 2 bases deleted (TC; older notation c.584_585delTC).
Protein change: p.Leu195fs; shifts the reading frame from leucine 195.
Molecular consequence: frameshift variant.
Genome position (GRCh38, 1-based): chr17:61,847,143-61,847,144, GA deleted on the plus strand (TC on the coding strand, the reverse complement: BRIP1 is on the minus strand); deleting any 2 consecutive bases within chr17:61,847,143-61,847,145 gives the same sequence; the c. name uses the placement nearest the transcript's 3' end. VCF-style (leftmost placement, unchanged base first): chr17-61847142-TGA-T. GRCh37 (hg19) VCF-style: chr17-59924503-TGA-T.
Other names: c.584_585delTC (NM_032043.2); short protein forms L195fs.
Identifiers: ClinVar variation 479460 (VCV000479460.6), dbSNP rs1555615743, ClinGen allele CA658658685.
Genomic context (GRCh38, chr17:61,847,142, plus strand): 5'-CAATGGCATTAATACATACTTTCTGTGGCGAAAAGGAGTTTATCTTTTCCAGTGGAGAGT[TGA>T]GTTTTACAGTCTTTCCTGAATCAACTTTTGCATCCAAATTGTGTACTTCTGTTCCAAAGC-3'